The following is an entry in ClinVar:

NM_138959.3(VANGL1):c.*3417C>T

Gene: VANGL1 (VANGL planar cell polarity protein 1; plus strand). Cytogenetic location: 1p13.1.
Variant type: single nucleotide variant.
Coding change: c.*3417C>T on transcript NM_138959.3 (MANE Select); 3417 bases downstream of the stop codon, C replaced by T.
Molecular consequence: 3 prime UTR variant.
Genome position (GRCh38, 1-based): chr1:115,694,796, C>T. VCF-style: chr1-115694796-C-T. GRCh37 (hg19) VCF-style: chr1-116237417-C-T.
Other names: c.*3417C>T (NM_001172411.2, NM_001172412.2).
Identifiers: ClinVar variation 292066 (VCV000292066.6), dbSNP rs76160883, ClinGen allele CA10607425.

ClinVar aggregate classification (germline): Benign. Review status: criteria provided, multiple submitters, no conflicts (2 of 4 stars). 3 submissions from 2 submitters: Benign (3). Last evaluated 2018-01-13.

Conditions:
Sacral defect with anterior meningocele. Identifiers: MedGen C1838568, OMIM 600145.
Neural tube defect (NTD). Also called: Neural tube defects. Identifiers: Orphanet 3388, Orphanet 823, MedGen C0027794, MONDO:0018075, HP:0045005.

Allele frequency attached by ClinVar (database versions not stated): gnomAD 0.06248 and 0.06321; TOPMed 0.06506; 1000 Genomes Project 0.07328; 1000 Genomes Project 30x 0.07589.

Submissions (3):

Illumina Laboratory Services, Illumina
Classification: Benign for Neural tube defects, susceptibility to. Last evaluated: 2018-01-13. Review status: criteria provided, single submitter. Criteria: ICSL Variant Classification Criteria 13 December 2019. Collection method: clinical testing. Allele origin: germline.
Comment: This variant was observed in the ICSL laboratory as part of a predisposition screen in an ostensibly healthy population. It had not been previously curated by ICSL or reported in the Human Gene Mutation Database (HGMD: prior to June 1st, 2018), and was therefore a candidate for classification through an automated scoring system. Utilizing variant allele frequency, disease prevalence and penetrance estimates, and inheritance mode, an automated score was calculated to assess if this variant is too frequent to cause the disease. Based on the score and internal cut-off values, a variant classified as benign is not then subjected to further curation. The score for this variant resulted in a classification of benign for this disease.

Illumina Laboratory Services, Illumina
Classification: Benign for Sacral defect with anterior meningocele. Last evaluated: 2018-01-13. Review status: criteria provided, single submitter. Criteria: ICSL Variant Classification Criteria 13 December 2019. Collection method: clinical testing. Allele origin: germline.
Comment: the same text as in the submission from Illumina Laboratory Services, Illumina above.

Breakthrough Genomics
Classification: Benign. Review status: criteria provided, single submitter. Criteria: ACMG Guidelines, 2015. Collection method: not provided. Allele origin: germline. Inheritance: Autosomal dominant inheritance. Affected: yes.